The following is an entry in ClinVar:

ClinVar aggregate classification (germline): Uncertain significance. Review status: criteria provided, multiple submitters, no conflicts (2 of 4 stars). 3 submissions from 3 submitters: Uncertain significance (3). Last evaluated 2026-06-16.

Allele frequency attached by ClinVar (database versions not stated): gnomAD exomes 0.00001.
gnomAD v4.1: 8 of 1,608,938 alleles (0.0005%); highest among the groups gnomAD compares: Non-Finnish European, 0.00059%; no homozygotes.

Submissions (3):

GeneDx
Classification: Uncertain significance. Last evaluated: 2026-06-16. Review status: criteria provided, single submitter. Criteria: GeneDx Variant Classification Process June 2021. Collection method: clinical testing. Allele origin: germline.
Comment: Not observed at significant frequency in large population cohorts (gnomAD); In silico analysis supports that this missense variant has a deleterious effect on protein structure/function; Has not been previously published as pathogenic or benign to our knowledge

Labcorp Genetics (formerly Invitae), Labcorp
Classification: Uncertain significance. Last evaluated: 2024-10-24. Review status: criteria provided, single submitter. Criteria: Invitae Variant Classification Sherloc (09022015). Collection method: clinical testing. Allele origin: germline.
Comment: This sequence change replaces isoleucine, which is neutral and non-polar, with threonine, which is neutral and polar, at codon 5477 of the ADGRV1 protein (p.Ile5477Thr). This variant is not present in population databases (gnomAD no frequency). This missense change has been observed in individual(s) with deafness (internal data). In at least one individual the data is consistent with being in trans (on the opposite chromosome) from a pathogenic variant. It has also been observed to segregate with disease in related individuals. ClinVar contains an entry for this variant (Variation ID: 1800916). Invitae Evidence Modeling of protein sequence and biophysical properties (such as structural, functional, and spatial information, amino acid conservation, physicochemical variation, residue mobility, and thermodynamic stability) indicates that this missense variant is not expected to disrupt ADGRV1 protein function with a negative predictive value of 95%. In summary, the available evidence is currently insufficient to determine the role of this variant in disease. Therefore, it has been classified as a Variant of Uncertain Significance.

Women's Health and Genetics/Laboratory Corporation of America, LabCorp
Classification: Uncertain significance. Last evaluated: 2024-07-09. Review status: criteria provided, single submitter. Criteria: LabCorp Variant Classification Summary - May 2015. Collection method: clinical testing. Allele origin: germline.
Comment: Variant summary: ADGRV1 c.16430T>C (p.Ile5477Thr) results in a non-conservative amino acid change in the encoded protein sequence. Three of five in-silico tools predict a damaging effect of the variant on protein function. The variant was absent in 248590 control chromosomes. The available data on variant occurrences in the general population are insufficient to allow any conclusion about variant significance. To our knowledge, no occurrence of c.16430T>C in individuals affected with ADGRV1-Related Disorders and no experimental evidence demonstrating its impact on protein function have been reported. ClinVar contains an entry for this variant (Variation ID: 1800916). Based on the evidence outlined above, the variant was classified as uncertain significance.

NM_032119.4(ADGRV1):c.16430T>C (p.Ile5477Thr)

Gene: ADGRV1 (adhesion G protein-coupled receptor V1; plus strand). Cytogenetic location: 5q14.3.
Variant type: single nucleotide variant.
Coding change: c.16430T>C on transcript NM_032119.4 (MANE Select); coding-DNA position 16430, T replaced by C.
Protein change: p.Ile5477Thr; replaces isoleucine 5477 with threonine.
Molecular consequence: missense variant. On other transcripts: non-coding transcript variant (1).
Genome position (GRCh38, 1-based): chr5:90,829,005, T>C. VCF-style: chr5-90829005-T-C. GRCh37 (hg19) VCF-style: chr5-90124822-T-C.
Other names: short protein forms I5477T.
Identifiers: ClinVar variation 1800916 (VCV001800916.7), dbSNP rs1035819163, ClinGen allele CA122805714.